The following is an entry in ClinVar:

NM_020922.5(WNK3):c.5087C>A (p.Thr1696Asn)

Gene: WNK3 (WNK lysine deficient protein kinase 3; minus strand). Cytogenetic location: Xp11.22.
Variant type: single nucleotide variant.
Coding change: c.5087C>A on transcript NM_020922.5 (MANE Select); coding-DNA position 5087, C replaced by A.
Protein change: p.Thr1696Asn; replaces threonine 1696 with asparagine.
Molecular consequence: missense variant.
Genome position (GRCh38, 1-based): chrX:54,198,640, G>T on the plus strand (C>A on the coding strand, the complement: WNK3 is on the minus strand). VCF-style: chrX-54198640-G-T. GRCh37 (hg19) VCF-style: chrX-54225073-G-T.
Other names: c.4916C>A, p.Thr1639Asn (NM_001002838.4, NM_001395166.1); short protein forms T1696N, T1639N.
Identifiers: ClinVar variation 2361452 (VCV002361452.4), dbSNP rs192899527, ClinGen allele CA10424138.
Genomic context (GRCh38, chrX:54,198,640, plus strand): 5'-GTTGGGACAGCTCCACGGATTTGGGACAGAGAAGAAATCCATGTTGATGTGTAGCCCATA[G>T]TAGACGGAGTATTCTAAGAAAAACAAAAATAAAAACAAAAGATCAGTTTATTTGGTATAG-3'
Protein context (NP_065973.2, residues 1686-1706): WNKVSENTPS[Thr1696Asn]MGYTSTWISS

ClinVar aggregate classification (germline): Conflicting classifications of pathogenicity. Review status: criteria provided, conflicting classifications (1 of 4 stars). 2 submissions from 2 submitters: Uncertain significance (1); Likely benign (1). Last evaluated 2026-07-01.

Allele frequency attached by ClinVar (database versions not stated): gnomAD 0.00002; gnomAD exomes 0.00002; ExAC 0.00004; TOPMed 0.00005; 1000 Genomes Project 30x 0.00021; 1000 Genomes Project 0.00026.
gnomAD v4.1: 20 of 1,176,224 alleles (0.0017%); highest among the groups gnomAD compares: Admixed American, 0.044%; no homozygotes.

Submissions (2):

CeGaT Center for Human Genetics Tuebingen
Classification: Likely benign. Last evaluated: 2026-07-01. Review status: criteria provided, single submitter. Criteria: CeGaT Center For Human Genetics Tuebingen Variant Classification Criteria Version 2. Collection method: clinical testing. Allele origin: germline. Affected: yes. Observed: 1 variant allele.
Comment: WNK3: BS2

Ambry Genetics
Classification: Uncertain significance. Last evaluated: 2024-04-12. Review status: criteria provided, single submitter. Criteria: Ambry Variant Classification Scheme 2023. Collection method: clinical testing. Allele origin: germline.